The following is an entry in ClinVar:

ClinVar aggregate classification (germline): Uncertain significance (1 of 4 stars; one submission).

Submission:

Labcorp Genetics (formerly Invitae), Labcorp
Classification: Uncertain significance. Last evaluated: 2022-11-12. Review status: criteria provided, single submitter. Criteria: Invitae Variant Classification Sherloc (09022015). Collection method: clinical testing. Allele origin: germline.
Comment: This sequence change falls in intron 22 of the CDAN1 gene. It does not directly change the encoded amino acid sequence of the CDAN1 protein. It affects a nucleotide within the consensus splice site. This variant is not present in population databases (gnomAD no frequency). This variant has not been reported in the literature in individuals affected with CDAN1-related conditions. Variants that disrupt the consensus splice site are a relatively common cause of aberrant splicing (PMID: 17576681, 9536098). Algorithms developed to predict the effect of sequence changes on RNA splicing suggest that this variant may disrupt the consensus splice site. In summary, the available evidence is currently insufficient to determine the role of this variant in disease. Therefore, it has been classified as a Variant of Uncertain Significance.

Literature cited by the submitters: PubMed 17576681; PubMed 9536098.

NM_138477.4(CDAN1):c.2948-3C>T

Gene: CDAN1 (codanin 1; minus strand). Cytogenetic location: 15q15.2.
Variant type: single nucleotide variant.
Coding change: c.2948-3C>T on transcript NM_138477.4 (MANE Select); 3 bases into the intron before coding-DNA position 2948, C replaced by T.
Molecular consequence: intron variant.
Genome position (GRCh38, 1-based): chr15:42,727,772, G>A on the plus strand (C>T on the coding strand, the complement: CDAN1 is on the minus strand). VCF-style: chr15-42727772-G-A. GRCh37 (hg19) VCF-style: chr15-43019970-G-A.
Identifiers: ClinVar variation 2783906 (VCV002783906.3), dbSNP rs2506078768, ClinGen allele CA2739279903.